The following is an entry in ClinVar:

NC_000001.10:g.(?_20411324)_(20417185_?)dup

Gene: PLA2G5 (phospholipase A2 group V; plus strand). Cytogenetic location: 1p36.12.
Variant type: Duplication.
Identifiers: ClinVar variation 3247903 (VCV003247903.1).

ClinVar aggregate classification (germline): Uncertain significance (1 of 4 stars; one submission).

Submission:

Labcorp Genetics (formerly Invitae), Labcorp
Classification: Uncertain significance. Last evaluated: 2022-06-24. Review status: criteria provided, single submitter. Criteria: Invitae Variant Classification Sherloc (09022015). Collection method: clinical testing. Allele origin: unknown.
Comment: In summary, the available evidence is currently insufficient to determine the role of this variant in disease. Therefore, it has been classified as a Variant of Uncertain Significance. This variant has not been reported in the literature in individuals affected with PLA2G5-related conditions. A copy number gain of the genomic region encompassing the full coding sequence of the PLA2G5 gene has been identified. The boundaries of this event are unknown as they extend beyond the assayed region for this gene and therefore may encompass additional genes. As the precise location of this event is unknown, it may be in tandem or it may be located elsewhere in the genome.